The following is an entry in ClinVar:

ClinVar aggregate classification (germline): Uncertain significance (1 of 4 stars; one submission).

Conditions:
Pulmonary fibrosis and/or bone marrow failure, Telomere-related, 4. Also called: PULMONARY FIBROSIS AND/OR BONE MARROW FAILURE SYNDROME, TELOMERE-RELATED, 4. Identifiers: Orphanet 2032, MedGen C4225347, MONDO:0014612, OMIM 616371.
Dyskeratosis congenita, autosomal recessive 6 (DKCB6). Identifiers: MedGen C4225356, MONDO:0014600, OMIM 616353.

Allele frequency attached by ClinVar (database versions not stated): TOPMed below 0.00001.

Submission:

Labcorp Genetics (formerly Invitae), Labcorp
Classification: Uncertain significance for Dyskeratosis congenita, autosomal recessive 6; Pulmonary fibrosis and/or bone marrow failure, Telomere-related, 4. Last evaluated: 2023-04-24. Review status: criteria provided, single submitter. Criteria: Invitae Variant Classification Sherloc (09022015). Collection method: clinical testing. Allele origin: germline.
Comment: In summary, the available evidence is currently insufficient to determine the role of this variant in disease. Therefore, it has been classified as a Variant of Uncertain Significance. Algorithms developed to predict the effect of sequence changes on RNA splicing suggest that this variant may disrupt the consensus splice site. Advanced modeling of protein sequence and biophysical properties (such as structural, functional, and spatial information, amino acid conservation, physicochemical variation, residue mobility, and thermodynamic stability) performed at Invitae indicates that this missense variant is not expected to disrupt PARN protein function. This variant has not been reported in the literature in individuals affected with PARN-related conditions. This variant is not present in population databases (gnomAD no frequency). This sequence change replaces glutamic acid, which is acidic and polar, with glycine, which is neutral and non-polar, at codon 236 of the PARN protein (p.Glu236Gly).

NM_002582.4(PARN):c.707A>G (p.Glu236Gly)

Gene: PARN (poly(A)-specific ribonuclease; minus strand). Cytogenetic location: 16p13.12.
Variant type: single nucleotide variant.
Coding change: c.707A>G on transcript NM_002582.4 (MANE Select); coding-DNA position 707, A replaced by G.
Protein change: p.Glu236Gly; replaces glutamic acid 236 with glycine.
Molecular consequence: missense variant.
Genome position (GRCh38, 1-based): chr16:14,604,222, T>C on the plus strand (A>G on the coding strand, the complement: PARN is on the minus strand). VCF-style: chr16-14604222-T-C. GRCh37 (hg19) VCF-style: chr16-14698079-T-C.
Other names: c.524A>G, p.Glu175Gly (NM_001134477.3); c.569A>G, p.Glu190Gly (NM_001242992.2); short protein forms E236G, E175G, E190G.
Identifiers: ClinVar variation 2943518 (VCV002943518.3), dbSNP rs1971049608, ClinGen allele CA394807973.
Genomic context (GRCh38, chr16:14,604,222, plus strand): 5'-TTCTGCTGCTCTCTTCTTTTGCGTTCTTCTTCATCTACTTTGCTGATAACTATATATCGC[T>C]CCTTCTAAAAGACATAAAGCAGATATACAATTTTCTTTTCTTTTTCTTTTTTTTTGAGAC-3'
Protein context (NP_002573.1, residues 226-246): HVETLETEKK[Glu236Gly]RYIVISKVDE